The following is an entry in ClinVar:

NM_005363.5(MAGEA6):c.880A>G (p.Ser294Gly)

Gene: MAGEA6 (MAGE family member A6). Cytogenetic location: Xq28.
Variant type: single nucleotide variant.
Coding change: c.880A>G on transcript NM_005363.5 (MANE Select); coding-DNA position 880, A replaced by G.
Protein change: p.Ser294Gly; replaces serine 294 with glycine.
Molecular consequence: missense variant.
Genome position (GRCh38, 1-based): chrX:152,766,771, T>C on the plus strand (A>G on the coding strand, the complement: MAGEA6 is on the minus strand). VCF-style: chrX-152766771-T-C. GRCh37 (hg19) VCF-style: chrX-151935287-T-C.
Other names: c.880A>G, p.Ser294Gly (NM_175868.4); short protein forms S294G.
Identifiers: ClinVar variation 3341591 (VCV003341591.10).

ClinVar aggregate classification (germline): Likely benign (1 of 4 stars; one submission).

gnomAD v4.1: 195 of 1,208,993 alleles (0.016%); highest among the groups gnomAD compares: Middle Eastern, 0.9%; 1 homozygote.

Submission:

CeGaT Center for Human Genetics Tuebingen
Classification: Likely benign. Last evaluated: 2024-02-01. Review status: criteria provided, single submitter. Criteria: CeGaT Center For Human Genetics Tuebingen Variant Classification Criteria Version 2. Collection method: clinical testing. Allele origin: germline. Affected: yes. Observed: 1 variant allele.
Comment: MAGEA6: BS2